The following is an entry in ClinVar:

NM_001378373.1(MBL2):c.449A>C (p.Lys150Thr)

Gene: MBL2 (mannose binding lectin 2; minus strand). Cytogenetic location: 10q21.1.
Variant type: single nucleotide variant.
Coding change: c.449A>C on transcript NM_001378373.1 (MANE Select); coding-DNA position 449, A replaced by C.
Protein change: p.Lys150Thr; replaces lysine 150 with threonine.
Molecular consequence: missense variant.
Genome position (GRCh38, 1-based): chr10:52,768,435, T>G on the plus strand (A>C on the coding strand, the complement: MBL2 is on the minus strand). VCF-style: chr10-52768435-T-G. GRCh37 (hg19) VCF-style: chr10-54528195-T-G.
Other names: c.449A>C, p.Lys150Thr (NM_000242.3, NM_001378374.1); short protein forms K150T.
Identifiers: ClinVar variation 1030691 (VCV001030691.2), dbSNP rs149216902, ClinGen allele CA5504310.

ClinVar aggregate classification (germline): Uncertain significance. Review status: criteria provided, multiple submitters, no conflicts (2 of 4 stars). 2 submissions from 2 submitters: Uncertain significance (2). Last evaluated 2019-12-07.

Conditions:
Mannose-binding lectin deficiency. Also called: LECTIN COMPLEMENT ACTIVATION PATHWAY, DEFECT IN, 1; MBP DEFICIENCY; MBL DEFICIENCY; MBL2 DEFICIENCY; Chronic infections, due to MBL deficiency. Identifiers: MedGen C3280586, MONDO:0013714, OMIM 614372.

Allele frequency attached by ClinVar (database versions not stated): gnomAD exomes 0.00004; ExAC 0.00006; gnomAD 0.00019 and 0.00023; TOPMed 0.00019; ESP Exome Variant Server 0.00054.
gnomAD v4.1: 92 of 1,610,576 alleles (0.0057%); highest among the groups gnomAD compares: African/African-American, 0.094%; 1 homozygote.

Submissions (2):

Baylor Genetics
Classification: Uncertain significance for Mannose-binding lectin deficiency. Last evaluated: 2019-12-07. Review status: criteria provided, single submitter. Criteria: ACMG Guidelines, 2015. Collection method: clinical testing. Allele origin: unknown. Affected: yes.
Comment: This variant was determined to be of uncertain significance according to ACMG Guidelines, 2015 [PMID:25741868].

Breakthrough Genomics
Classification: Uncertain significance. Review status: criteria provided, single submitter. Criteria: ACMG Guidelines, 2015. Collection method: not provided. Allele origin: germline. Inheritance: Autosomal dominant inheritance. Affected: yes.